The following is an entry in ClinVar:

ClinVar aggregate classification (germline): Uncertain significance (1 of 4 stars; one submission).

Submission:

Labcorp Genetics (formerly Invitae), Labcorp
Classification: Uncertain significance. Last evaluated: 2025-04-13. Review status: criteria provided, single submitter. Criteria: Invitae Variant Classification Sherloc (09022015). Collection method: clinical testing. Allele origin: germline.
Comment: This sequence change falls in intron 2 of the HNF4A gene. It does not directly change the encoded amino acid sequence of the HNF4A protein. This variant is not present in population databases (gnomAD no frequency). This variant has not been reported in the literature in individuals affected with HNF4A-related conditions. ClinVar contains an entry for this variant (Variation ID: 3729859). Algorithms developed to predict the effect of sequence changes on RNA splicing suggest that this variant may disrupt the consensus splice site. In summary, the available evidence is currently insufficient to determine the role of this variant in disease. Therefore, it has been classified as a Variant of Uncertain Significance.

NM_175914.5(HNF4A):c.225-13A>C

Gene: HNF4A (hepatocyte nuclear factor 4 alpha; plus strand). Cytogenetic location: 20q13.12.
Variant type: single nucleotide variant.
Coding change: c.225-13A>C on transcript NM_175914.5 (MANE Select); 13 bases into the intron before coding-DNA position 225, A replaced by C.
Molecular consequence: intron variant.
Genome position (GRCh38, 1-based): chr20:44,407,368, A>C. VCF-style: chr20-44407368-A-C. GRCh37 (hg19) VCF-style: chr20-43036008-A-C.
Other names: c.216-13A>C (NM_001287182.2, NM_001287183.2, NM_001287184.2); c.225-13A>C (NM_001030003.3, NM_001030004.3); c.270-13A>C (NM_001258355.2); c.291-13A>C (NM_178849.3, NM_000457.6, NM_178850.3).
Identifiers: ClinVar variation 3729859 (VCV003729859.2).